The following is an entry in ClinVar:

NM_001367721.1(CASK):c.55G>A (p.Gly19Arg)

Gene: CASK (calcium/calmodulin dependent serine protein kinase; minus strand). Cytogenetic location: Xp11.4.
Variant type: single nucleotide variant.
Coding change: c.55G>A on transcript NM_001367721.1 (MANE Select); coding-DNA position 55, G replaced by A.
Protein change: p.Gly19Arg; replaces glycine 19 with arginine.
Molecular consequence: missense variant.
Genome position (GRCh38, 1-based): chrX:41,922,934, C>T on the plus strand (G>A on the coding strand, the complement: CASK is on the minus strand). VCF-style: chrX-41922934-C-T. GRCh37 (hg19) VCF-style: chrX-41782187-C-T.
Other names: c.55G>A, p.Gly19Arg (NM_001126054.3, NM_001126055.3, NM_001410745.1 and 1 more transcripts); short protein forms G19R.
Identifiers: ClinVar variation 166796 (VCV000166796.18), dbSNP rs727503840, ClinGen allele CA200442.
Genomic context (GRCh38, chrX:41,922,934, plus strand): 5'-GGGGCATCACTGAAATGCATTTTTCCACACTCCCGCTCCCTCGCGTGGAGACTCACTTTC[C>T]GATCACCTCGCACAGCTCGTACACATCCTCGAACAGCACGTCGTCGTCGGCCATGGTCCG-3'
Protein context (NP_001354650.1, residues 9-29): EDVYELCEVI[Gly19Arg]KGPFSVVRRC

ClinVar aggregate classification (germline): Conflicting classifications of pathogenicity. Review status: criteria provided, conflicting classifications (1 of 4 stars). 3 submissions from 3 submitters: Likely pathogenic (1); Uncertain significance (2). Last evaluated 2020-12-27.

Conditions:
Intellectual disability, CASK-related, X-linked. Identifiers: MedGen CN043158.

Submissions (3):

Labcorp Genetics (formerly Invitae), Labcorp
Classification: Uncertain significance for Intellectual disability, CASK-related, X-linked. Last evaluated: 2020-12-27. Review status: criteria provided, single submitter. Criteria: Invitae Variant Classification Sherloc (09022015). Collection method: clinical testing. Allele origin: germline.
Comment: This sequence change replaces glycine with arginine at codon 19 of the CASK protein (p.Gly19Arg). The glycine residue is moderately conserved and there is a moderate physicochemical difference between glycine and arginine. This variant is not present in population databases (ExAC no frequency). This variant has not been reported in the literature in individuals with CASK-related conditions. ClinVar contains an entry for this variant (Variation ID: 166796). Algorithms developed to predict the effect of missense changes on protein structure and function are either unavailable or do not agree on the potential impact of this missense change (SIFT: "Deleterious"; PolyPhen-2: "Benign"; Align-GVGD: "Class C0"). In summary, the available evidence is currently insufficient to determine the role of this variant in disease. Therefore, it has been classified as a Variant of Uncertain Significance.

GeneDx
Classification: Uncertain significance. Last evaluated: 2020-06-30. Review status: criteria provided, single submitter. Criteria: GeneDx Variant Classification Process June 2021. Collection method: clinical testing. Allele origin: germline. Affected: yes.
Comment: Not observed in large population cohorts (Lek et al., 2016); In silico analysis, which includes protein predictors and evolutionary conservation, supports a deleterious effect; Has not been previously published as pathogenic or benign to our knowledge

Eurofins Ntd Llc (ga)
Classification: Likely pathogenic. Last evaluated: 2014-04-01. Review status: criteria provided, single submitter. Criteria: EGL Classification Definitions. Collection method: clinical testing. Allele origin: germline. Observed: 1 variant allele, 1 hemizygote.